The following is an entry in ClinVar:

NM_001355436.2(SPTB):c.639C>T (p.His213=)

Gene: SPTB (spectrin beta, erythrocytic; minus strand). Cytogenetic location: 14q23.3.
Variant type: single nucleotide variant.
Coding change: c.639C>T on transcript NM_001355436.2 (MANE Select); coding-DNA position 639, C replaced by T.
Protein change: p.His213=; no amino-acid change (histidine 213 retained).
Molecular consequence: synonymous variant.
Genome position (GRCh38, 1-based): chr14:64,801,762, G>A on the plus strand (C>T on the coding strand, the complement: SPTB is on the minus strand). VCF-style: chr14-64801762-G-A. GRCh37 (hg19) VCF-style: chr14-65268480-G-A.
Other names: c.639C>T, p.His213= (NM_001024858.4, NM_001355437.2).
Identifiers: ClinVar variation 2644325 (VCV002644325.24), dbSNP rs2082890551, ClinGen allele CA486734675.
Genomic context (GRCh38, chr14:64,801,762, plus strand): 5'-TTCCCAGGGAGGCTGTCTCAGTCAGTCCCCACGGCTGTCCCCTCCCTCTTACCGGTGCTT[G>A]TGTATCAGGGCATTAAAGGCCAAGCCATCCTTCCAGCTGGAGGTAAAGTTGGTGACATTA-3'
Protein context (NP_001342365.1, residues 203-223): KDGLAFNALI[His213=]KHRPDLIDFD

ClinVar aggregate classification (germline): Likely benign (1 of 4 stars; one submission).

Allele frequency attached by ClinVar (database versions not stated): gnomAD exomes below 0.00001.
gnomAD v4.1: 3 of 1,614,128 alleles (0.00019%); highest among the groups gnomAD compares: African/African-American, 0.0013%; no homozygotes.

Submission:

CeGaT Center for Human Genetics Tuebingen
Classification: Likely benign. Last evaluated: 2022-08-01. Review status: criteria provided, single submitter. Criteria: CeGaT Center For Human Genetics Tuebingen Variant Classification Criteria Version 2. Collection method: clinical testing. Allele origin: germline. Affected: yes. Observed: 1 variant allele.
Comment: SPTB: PM2:Supporting, BP4, BP7